The following is an entry in ClinVar:

ClinVar aggregate classification (germline): Uncertain significance. Review status: criteria provided, multiple submitters, no conflicts (2 of 4 stars). 2 submissions from 2 submitters: Uncertain significance (2). Last evaluated 2022-12-12.

Conditions:
Charcot-Marie-Tooth disease axonal type 2O. Also called: Charcot-Marie-Tooth Neuropathy Type 2O; Charcot-Marie-Tooth disease, axonal, type 20; CHARCOT-MARIE-TOOTH NEUROPATHY, AXONAL, TYPE 2O; CHARCOT-MARIE-TOOTH DISEASE, AXONAL, AUTOSOMAL DOMINANT, TYPE 2O. Identifiers: Orphanet 284232, MedGen C3280220, MONDO:0013644, OMIM 614228.

Submissions (2):

Labcorp Genetics (formerly Invitae), Labcorp
Classification: Uncertain significance for Charcot-Marie-Tooth disease axonal type 2O. Last evaluated: 2022-12-12. Review status: criteria provided, single submitter. Criteria: Invitae Variant Classification Sherloc (09022015). Collection method: clinical testing. Allele origin: germline.
Comment: In summary, the available evidence is currently insufficient to determine the role of this variant in disease. Therefore, it has been classified as a Variant of Uncertain Significance. Advanced modeling of protein sequence and biophysical properties (such as structural, functional, and spatial information, amino acid conservation, physicochemical variation, residue mobility, and thermodynamic stability) performed at Invitae indicates that this missense variant is expected to disrupt DYNC1H1 protein function. ClinVar contains an entry for this variant (Variation ID: 618610). This variant has not been reported in the literature in individuals affected with DYNC1H1-related conditions. This variant is not present in population databases (gnomAD no frequency). This sequence change replaces arginine, which is basic and polar, with glycine, which is neutral and non-polar, at codon 1542 of the DYNC1H1 protein (p.Arg1542Gly).

ARUP Laboratories, Molecular Genetics and Genomics, ARUP Laboratories
Classification: Uncertain significance. Last evaluated: 2017-06-02. Review status: criteria provided, single submitter. Criteria: ARUP Molecular Germline Variant Investigation Process. Collection method: clinical testing. Allele origin: germline.
Comment: The p.Arg1542Gly variant has not been reported in the medical literature, is not listed in gene-specific variant databases, nor has it been previously identified in our laboratory. It is also absent from population databases such as 1000 Genomes, the NHLBI GO Exome Sequencing Project (ESP), and the Genome Aggregation Database (gnomAD) browser. The arginine at codon 1542 is highly conserved considering 11 species up to C. elegans (Alamut software v2.8.1), and computational analyses suggest this variant has a significant effect on DYNC1H1 protein structure/function (SIFT: damaging, PolyPhen2: probably damaging, and Mutation Taster: disease causing). However, based on the available information, the clinical significance of the p.Arg1542Gly variant cannot be determined with certainty.

NM_001376.5(DYNC1H1):c.4624A>G (p.Arg1542Gly)

Gene: DYNC1H1 (dynein cytoplasmic 1 heavy chain 1; plus strand). Cytogenetic location: 14q32.31.
Variant type: single nucleotide variant.
Coding change: c.4624A>G on transcript NM_001376.5 (MANE Select); coding-DNA position 4624, A replaced by G.
Protein change: p.Arg1542Gly; replaces arginine 1542 with glycine.
Molecular consequence: missense variant.
Genome position (GRCh38, 1-based): chr14:102,002,618, A>G. VCF-style: chr14-102002618-A-G. GRCh37 (hg19) VCF-style: chr14-102468955-A-G.
Other names: short protein forms R1542G.
Identifiers: ClinVar variation 618610 (VCV000618610.11), dbSNP rs1567006939, ClinGen allele CA391043144.